The following is an entry in ClinVar:

ClinVar aggregate classification (germline): Uncertain significance (1 of 4 stars; one submission).

gnomAD v4.1: 16 of 1,610,310 alleles (0.00099%); highest among the groups gnomAD compares: Admixed American, 0.0017%; no homozygotes.

Submission:

Greenwood Genetic Center Diagnostic Laboratories, Greenwood Genetic Center
Classification: Uncertain significance. Last evaluated: 2024-06-13. Review status: criteria provided, single submitter. Criteria: ACMG Guidelines, 2015. Collection method: clinical testing. Allele origin: germline. Affected: yes.
Comment: PM2

NM_138775.3(ALKBH8):c.878+3A>G

Gene: ALKBH8 (alkB homolog 8, tRNA methyltransferase; minus strand). Cytogenetic location: 11q22.3.
Variant type: single nucleotide variant.
Coding change: c.878+3A>G on transcript NM_138775.3 (MANE Select); 3 bases into the intron after coding-DNA position 878, A replaced by G.
Molecular consequence: intron variant.
Genome position (GRCh38, 1-based): chr11:107,532,297, T>C on the plus strand (A>G on the coding strand, the complement: ALKBH8 is on the minus strand). VCF-style: chr11-107532297-T-C. GRCh37 (hg19) VCF-style: chr11-107403023-T-C.
Other names: c.878+3A>G (NM_001378133.1, NM_001301010.3).
Identifiers: ClinVar variation 3338556 (VCV003338556.1).